The following is an entry in ClinVar:

ClinVar aggregate classification (germline): Conflicting classifications of pathogenicity. Review status: criteria provided, conflicting classifications (1 of 4 stars). 8 submissions from 8 submitters: Uncertain significance (6); Likely benign (2). Last evaluated 2025-12-17.

Conditions:
TTN-related disorder. Also called: TTN-related disorders; TTN-related condition; TTN-related disease.
Cardiovascular phenotype. Identifiers: MedGen CN230736.

Allele frequency attached by ClinVar (database versions not stated): gnomAD exomes 0.00002 and 0.00004; ExAC 0.00004; gnomAD 0.00015 and 0.00016; 1000 Genomes Project 0.00020; 1000 Genomes Project 30x 0.00031; TOPMed 0.00032.

Submissions (8):

PreventionGenetics, part of Exact Sciences
Classification: Uncertain significance for TTN-related condition. Last evaluated: 2025-12-17. Review status: criteria provided, single submitter. Criteria: ACMG Guidelines, 2015. Collection method: clinical testing. Allele origin: germline.
Comment: The TTN c.54104C>T variant is predicted to result in the amino acid substitution p.Ala18035Val. This variant has been reported in an individual with dilated cardiomyopathy (Table S7, Mazzarotto et al. 2020. PubMed ID: 31983221). This variant is reported in 0.019% of alleles in individuals of Ashkenazi Jewish descent in gnomAD. At this time, the clinical significance of this variant is uncertain due to the absence of conclusive functional and genetic evidence.

Revvity Omics, Revvity
Classification: Uncertain significance. Last evaluated: 2025-05-07. Review status: criteria provided, single submitter. Criteria: ACMG Guidelines, 2015. Collection method: clinical testing. Allele origin: germline.

Molecular Diagnostic Laboratory for Inherited Cardiovascular Disease, Montreal Heart Institute
Classification: Likely benign. Last evaluated: 2025-04-09. Review status: criteria provided, single submitter. Criteria: ACMG Guidelines, 2015. Collection method: clinical testing. Allele origin: germline. Affected: no.
Comment: BP1

GeneDx
Classification: Likely benign. Last evaluated: 2020-12-11. Review status: criteria provided, single submitter. Criteria: GeneDx Variant Classification Process June 2021. Collection method: clinical testing. Allele origin: germline. Affected: yes.

Ambry Genetics
Classification: Uncertain significance for Cardiovascular phenotype. Last evaluated: 2019-07-23. Review status: criteria provided, single submitter. Criteria: Ambry Variant Classification Scheme 2023. Collection method: clinical testing. Allele origin: germline.
Comment: The p.A8970V variant (also known as c.26909C>T), located in coding exon 107 of the TTN gene, results from a C to T substitution at nucleotide position 26909. The alanine at codon 8970 is replaced by valine, an amino acid with similar properties. This amino acid position is not well conserved in available vertebrate species, and valine is the reference amino acid in other vertebrate species. In addition, this alteration is predicted to be tolerated by in silico analysis. Since supporting evidence is limited at this time, the clinical significance of this alteration remains unclear.

Athena Diagnostics
Classification: Uncertain significance. Last evaluated: 2018-10-24. Review status: criteria provided, single submitter. Criteria: Athena Diagnostics Criteria. Collection method: clinical testing. Allele origin: germline.

Eurofins Ntd Llc (ga)
Classification: Uncertain significance. Last evaluated: 2018-06-28. Review status: criteria provided, single submitter. Criteria: EGL ClinVar v180209 classification definitions. Collection method: clinical testing. Allele origin: germline. Observed: 3 variant alleles, 2 heterozygotes, 1 homozygote.

Laboratory for Molecular Medicine, Mass General Brigham Personalized Medicine
Classification: Uncertain significance. Last evaluated: 2016-03-18. Review status: criteria provided, single submitter. Criteria: LMM Criteria. Collection method: clinical testing. Allele origin: germline. Observed: 2 variant alleles.
Comment: Variant classified as Uncertain Significance - Favor Benign. The p.Ala15467Val v ariant in TTN has not been previously reported in individuals with cardiomyopath y, but has been identified in 3/66488 European chromosomes by the Exome Aggregat ion Consortium (ExAC; dbSNP rs182445366). Alanin e (Ala) at position 15467 is not conserved in mammals or evolutionarily distant species and 4 species (megabat, tetraodon, zebrafish, medaka) carry a Valine (Va l) at this position, raising the possibility that this change may be tolerated. Additional computational prediction tools do not provide strong support for or a gainst an impact to the protein. In summary, while the clinical significance of the p.Ala15467Val variant is uncertain, its presence in other species suggests that it is more likely to be benign.

NM_001267550.2(TTN):c.54104C>T (p.Ala18035Val)

Genes: TTN (titin; minus strand), TTN-AS1 (TTN antisense RNA 1; plus strand). Cytogenetic location: 2q31.2.
Variant type: single nucleotide variant.
Coding change: c.54104C>T on transcript NM_001267550.2 (MANE Select); coding-DNA position 54104, C replaced by T.
Protein change: p.Ala18035Val; replaces alanine 18035 with valine.
Molecular consequence: missense variant. On other transcripts: non-coding transcript variant (1).
Genome position (GRCh38, 1-based): chr2:178,605,073, G>A on the plus strand (C>T on the coding strand, the complement: TTN is on the minus strand). VCF-style: chr2-178605073-G-A. GRCh37 (hg19) VCF-style: chr2-179469800-G-A.
Other names: c.49181C>T, p.Ala16394Val (NM_001256850.1); c.26909C>T, p.Ala8970Val (NM_003319.4); c.27284C>T, p.Ala9095Val (NM_133432.3); c.27485C>T, p.Ala9162Val (NM_133437.4); c.46400C>T, p.Ala15467Val (NM_133378.4); short protein forms A15467V, A18035V, A16394V, A8970V, A9095V, A9162V.
Identifiers: ClinVar variation 229461 (VCV000229461.32), dbSNP rs182445366, ClinGen allele CA1993699.